The following is an entry in ClinVar:

NM_000535.7(PMS2):c.354-174T>C

Gene: PMS2 (PMS1 homolog 2, mismatch repair system component; minus strand). Cytogenetic location: 7p22.1.
Variant type: single nucleotide variant.
Coding change: c.354-174T>C on transcript NM_000535.7 (MANE Select); 174 bases into the intron before coding-DNA position 354, T replaced by C.
Molecular consequence: intron variant. On other transcripts: 5 prime UTR variant (9).
Genome position (GRCh38, 1-based): chr7:6,002,810, A>G on the plus strand (T>C on the coding strand, the complement: PMS2 is on the minus strand). VCF-style: chr7-6002810-A-G. GRCh37 (hg19) VCF-style: chr7-6042441-A-G.
Other names: c.-130T>C (NM_001322015.2, NM_001406875.1, NM_001406877.1 and 6 more transcripts); c.36-174T>C (NM_001322008.2, NM_001406902.1, NM_001406883.1 and 4 more transcripts); c.-52-174T>C (NM_001406895.1, NM_001406911.1, NM_001322010.2 and 24 more transcripts); c.-531-174T>C (NM_001322012.2, NM_001322011.2); c.250+1162T>C (NM_001406885.1); c.354-174T>C (NM_001406886.1, NM_001406884.1, NM_001406874.1 and 8 more transcripts); c.378-174T>C (NM_001406868.1); c.540-174T>C (NM_001406866.1).
Identifiers: ClinVar variation 3256451 (VCV003256451.4).

ClinVar aggregate classification (germline): Benign/Likely benign. Review status: criteria provided, multiple submitters, no conflicts (2 of 4 stars). 2 submissions from 2 submitters: Benign (1); Likely benign (1). Last evaluated 2026-02-16.

gnomAD v4.1: 119 of 152,352 alleles (0.078%); highest among the groups gnomAD compares: Non-Finnish European, 0.14%; no homozygotes.

Submissions (2):

Dasa
Classification: Benign. Last evaluated: 2026-02-16. Review status: criteria provided, single submitter. Criteria: DASA Assertion Criteria. Collection method: clinical testing. Allele origin: germline.
Comment: NM_001322015.2(PMS2):c.-130T>C is an intronic variant. Population frequency is inconsistent with a disease-causing role for this variant. Computational prediction algorithms are consistent with a benign effect. Therefore, based on the currently available evidence, this variant is classified as benign.

Center for Genomic Medicine, Rigshospitalet, Copenhagen University Hospital
Classification: Likely benign. Last evaluated: 2025-03-04. Review status: criteria provided, single submitter. Criteria: ACMG Guidelines, 2015. Collection method: clinical testing. Allele origin: germline.